The following is an entry in ClinVar:

NM_004104.5(FASN):c.4472C>T (p.Ala1491Val)

Gene: FASN (fatty acid synthase; minus strand). Cytogenetic location: 17q25.3.
Variant type: single nucleotide variant.
Coding change: c.4472C>T on transcript NM_004104.5 (MANE Select); coding-DNA position 4472, C replaced by T.
Protein change: p.Ala1491Val; replaces alanine 1491 with valine.
Molecular consequence: missense variant.
Genome position (GRCh38, 1-based): chr17:82,084,891, G>A on the plus strand (C>T on the coding strand, the complement: FASN is on the minus strand). VCF-style: chr17-82084891-G-A. GRCh37 (hg19) VCF-style: chr17-80042767-G-A.
Other names: short protein forms A1491V.
Identifiers: ClinVar variation 1720471 (VCV001720471.5), dbSNP rs1312884166, ClinGen allele CA401546673.

ClinVar aggregate classification (germline): Uncertain significance (1 of 4 stars; one submission).

Conditions:
Epileptic encephalopathy. Identifiers: MedGen C0543888, HP:0200134.

Allele frequency attached by ClinVar (database versions not stated): gnomAD exomes below 0.00001.
gnomAD v4.1: 2 of 1,551,108 alleles (0.00013%); highest among the groups gnomAD compares: South Asian, 0.0024%; no homozygotes.

Submission:

Labcorp Genetics (formerly Invitae), Labcorp
Classification: Uncertain significance for Epileptic encephalopathy. Last evaluated: 2022-09-27. Review status: criteria provided, single submitter. Criteria: Invitae Variant Classification Sherloc (09022015). Collection method: clinical testing. Allele origin: germline.
Comment: This variant has not been reported in the literature in individuals affected with FASN-related conditions. In summary, the available evidence is currently insufficient to determine the role of this variant in disease. Therefore, it has been classified as a Variant of Uncertain Significance. Algorithms developed to predict the effect of missense changes on protein structure and function (SIFT, PolyPhen-2, Align-GVGD) all suggest that this variant is likely to be tolerated. The frequency data for this variant in the population databases is considered unreliable, as metrics indicate poor data quality at this position in the gnomAD database. This sequence change replaces alanine, which is neutral and non-polar, with valine, which is neutral and non-polar, at codon 1491 of the FASN protein (p.Ala1491Val).